The following is an entry in ClinVar:

ClinVar aggregate classification (germline): Likely benign (1 of 4 stars; one submission).

Submission:

CeGaT Center for Human Genetics Tuebingen
Classification: Likely benign. Last evaluated: 2025-09-01. Review status: criteria provided, single submitter. Criteria: CeGaT Center For Human Genetics Tuebingen Variant Classification Criteria Version 2. Collection method: clinical testing. Allele origin: germline. Affected: yes. Observed: 1 variant allele.
Comment: VPS13C: PM2:Supporting, BP4, BP7

NM_020821.3(VPS13C):c.261C>T (p.Tyr87=)

Gene: VPS13C (vacuolar protein sorting 13 homolog C; minus strand). Cytogenetic location: 15q22.2.
Variant type: single nucleotide variant.
Coding change: c.261C>T on transcript NM_020821.3 (MANE Select); coding-DNA position 261, C replaced by T.
Protein change: p.Tyr87=; no amino-acid change (tyrosine 87 retained).
Molecular consequence: synonymous variant.
Genome position (GRCh38, 1-based): chr15:62,034,979, G>A on the plus strand (C>T on the coding strand, the complement: VPS13C is on the minus strand). VCF-style: chr15-62034979-G-A. GRCh37 (hg19) VCF-style: chr15-62327178-G-A.
Other names: c.261C>T, p.Tyr87= (NM_001018088.3, NM_017684.5, NM_018080.4).
Identifiers: ClinVar variation 4281496 (VCV004281496.7).